The following is an entry in ClinVar:

ClinVar aggregate classification (germline): Uncertain significance (1 of 4 stars; one submission).

Conditions:
Primary ciliary dyskinesia. Also called: Ciliary dyskinesia. Identifiers: Orphanet 244, MedGen C0008780, MONDO:0016575, HP:0012265.

Allele frequency attached by ClinVar (database versions not stated): gnomAD exomes 0.00002 and 0.00001; TOPMed 0.00002; ExAC 0.00001; gnomAD 0.00001.
gnomAD v4.1: 20 of 1,613,902 alleles (0.0012%); highest among the groups gnomAD compares: Admixed American, 0.01%; no homozygotes.

Submission:

Labcorp Genetics (formerly Invitae), Labcorp
Classification: Uncertain significance for Primary ciliary dyskinesia. Last evaluated: 2025-01-14. Review status: criteria provided, single submitter. Criteria: Invitae Variant Classification Sherloc (09022015). Collection method: clinical testing. Allele origin: germline.
Comment: This sequence change replaces isoleucine, which is neutral and non-polar, with valine, which is neutral and non-polar, at codon 1124 of the DNAH8 protein (p.Ile1124Val). This variant is present in population databases (rs747236022, gnomAD 0.009%). This variant has not been reported in the literature in individuals affected with DNAH8-related conditions. ClinVar contains an entry for this variant (Variation ID: 583316). Experimental studies and prediction algorithms are not available or were not evaluated, and the functional significance of this variant is currently unknown. In summary, the available evidence is currently insufficient to determine the role of this variant in disease. Therefore, it has been classified as a Variant of Uncertain Significance.

NM_001206927.2(DNAH8):c.3370A>G (p.Ile1124Val)

Gene: DNAH8 (dynein axonemal heavy chain 8; plus strand). Cytogenetic location: 6p21.2.
Variant type: single nucleotide variant.
Coding change: c.3370A>G on transcript NM_001206927.2 (MANE Select); coding-DNA position 3370, A replaced by G.
Protein change: p.Ile1124Val; replaces isoleucine 1124 with valine.
Molecular consequence: missense variant.
Genome position (GRCh38, 1-based): chr6:38,815,504, A>G. VCF-style: chr6-38815504-A-G. GRCh37 (hg19) VCF-style: chr6-38783280-A-G.
Other names: c.2719A>G, p.Ile907Val (NM_001371.4); short protein forms I1124V, I907V.
Identifiers: ClinVar variation 583316 (VCV000583316.6), dbSNP rs747236022, ClinGen allele CA3788829.